The following is an entry in ClinVar:

ClinVar aggregate classification (germline): Benign. Review status: criteria provided, multiple submitters, no conflicts (2 of 4 stars). 11 submissions from 11 submitters: Benign (8). 3 of the submissions do not count toward it. Last evaluated 2026-02-04.

Conditions:
Autosomal recessive limb-girdle muscular dystrophy type 2J (LGMDR10). Also called: Limb-girdle muscular dystrophy, type 2J; MUSCULAR DYSTROPHY, LIMB-GIRDLE, AUTOSOMAL RECESSIVE 10. Identifiers: Orphanet 140922, MedGen C1837342, MONDO:0012127, OMIM 608807.
Dilated cardiomyopathy 1G (CMD1G). Identifiers: Orphanet 154, MedGen C1858763, MONDO:0011400, OMIM 604145.

Allele frequency attached by ClinVar (database versions not stated): 1000 Genomes Project 30x 0.80340; 1000 Genomes Project 0.80451; gnomAD exomes 0.83835; ExAC 0.85080; TOPMed 0.85364; gnomAD 0.86929 and 0.87436; ESP Exome Variant Server 0.90281.
gnomAD v4.1: 1,435,521 of 1,594,874 alleles (90%); highest among the groups gnomAD compares: Non-Finnish European, 93%; 650,799 homozygotes.

Submissions (11):

Labcorp Genetics (formerly Invitae), Labcorp
Classification: Benign for Dilated cardiomyopathy 1G; Autosomal recessive limb-girdle muscular dystrophy type 2J. Last evaluated: 2026-02-04. Review status: criteria provided, single submitter. Criteria: Invitae Variant Classification Sherloc (09022015). Collection method: clinical testing. Allele origin: germline.

Molecular Diagnostic Laboratory for Inherited Cardiovascular Disease, Montreal Heart Institute
Classification: Benign. Last evaluated: 2025-04-09. Review status: criteria provided, single submitter. Criteria: ACMG Guidelines, 2015. Collection method: clinical testing. Allele origin: germline. Affected: no.

Blueprint Genetics
Classification: Benign. Last evaluated: 2024-11-26. Review status: criteria provided, single submitter. Criteria: ACMG Guidelines, 2015. Collection method: clinical testing. Allele origin: germline.

Athena Diagnostics
Classification: Benign. Last evaluated: 2018-12-18. Review status: criteria provided, single submitter. Criteria: Athena Diagnostics Criteria. Collection method: clinical testing. Allele origin: germline.

Biesecker Lab/Clinical Genomics Section, National Institutes of Health
Classification: Benign. Last evaluated: 2013-06-24. Review status: criteria provided, single submitter. Criteria: Ng et al. (Circ Cardiovasc Genet. 2013). Collection method: research. Allele origin: unknown. Observed: 706 variant alleles. Study: ClinSeq.
Comment: The study set was not selected for affection status in relation to any cancer. Pathogenicity categories were based on literature curation. See Pubmed ID:23861362 for details.

Medical sequencing

GeneDx
Classification: Benign. Last evaluated: 2013-01-31. Review status: criteria provided, single submitter. Criteria: GeneDx Variant Classification (06012015). Collection method: clinical testing. Allele origin: germline. Affected: yes.
Comment: This variant is considered likely benign or benign based on one or more of the following criteria: it is a conservative change, it occurs at a poorly conserved position in the protein, it is predicted to be benign by multiple in silico algorithms, and/or has population frequency not consistent with disease.

Laboratory for Molecular Medicine, Mass General Brigham Personalized Medicine
Classification: Benign. Last evaluated: 2011-09-16. Review status: criteria provided, single submitter. Criteria: LMM Criteria. Collection method: clinical testing. Allele origin: germline. Observed: 1,583 variant alleles.

Breakthrough Genomics
Classification: Benign. Review status: criteria provided, single submitter. Criteria: ACMG Guidelines, 2015. Collection method: not provided. Allele origin: germline. Inheritance: Autosomal recessive inheritance. Affected: yes.

Clinical Genetics DNA and cytogenetics Diagnostics Lab, Erasmus MC, Erasmus Medical Center
Classification: Benign. Review status: no assertion criteria provided. Collection method: clinical testing. Allele origin: germline. Affected: yes. Study: VKGL Data-share Consensus. Not counted in ClinVar's aggregate classification.

Clinical Genetics, Academic Medical Center
Classification: Benign. Review status: no assertion criteria provided. Collection method: clinical testing. Allele origin: germline. Affected: yes. Study: VKGL Data-share Consensus. Not counted in ClinVar's aggregate classification.

Diagnostic Laboratory, Department of Genetics, University Medical Center Groningen
Classification: Benign. Review status: no assertion criteria provided. Collection method: clinical testing. Allele origin: germline. Affected: yes. Study: VKGL Data-share Consensus. Not counted in ClinVar's aggregate classification.

NM_001267550.2(TTN):c.11252G>A (p.Gly3751Asp)

Gene: TTN (titin; minus strand). Cytogenetic location: 2q31.2.
Variant type: single nucleotide variant.
Coding change: c.11252G>A on transcript NM_001267550.2 (MANE Select); coding-DNA position 11252, G replaced by A.
Protein change: p.Gly3751Asp; replaces glycine 3751 with aspartic acid.
Molecular consequence: missense variant. On other transcripts: intron variant (5).
Genome position (GRCh38, 1-based): chr2:178,756,224, C>T on the plus strand (G>A on the coding strand, the complement: TTN is on the minus strand). VCF-style: chr2-178756224-C-T. GRCh37 (hg19) VCF-style: chr2-179620951-C-T.
Other names: p.G3580D:GGT>GAT; c.10739G>A, p.Gly3580Asp (NM_133437.4); c.10165+2760G>A (NM_003319.4); c.10540+1318G>A (NM_133432.3); c.10303+2760G>A (NM_133379.5, NM_133378.4, NM_001256850.1); short protein forms G3751D, G3580D.
Identifiers: ClinVar variation 47852 (VCV000047852.24), dbSNP rs7585334, ClinGen allele CA284599.
Genomic context (GRCh38, chr2:178,756,224, plus strand): 5'-AAGCTGCATAAAGCGATGAGGATGAAATGAAGCAAGTCATAGCTAAAAATCAATTAACCA[C>T]CTTCTACACTTAGTACTGCTGACGTTGTCCTCTCTCCACAGTCATTGTGTACAATGCAGC-3'
Protein context (NP_001254479.2, residues 3741-3761): RTTSAVLSVE[Gly3751Asp]APESILHERI